The following is an entry in ClinVar:

ClinVar aggregate classification (germline): Uncertain significance (1 of 4 stars; one submission).

Conditions:
Methylmalonic acidemia with homocystinuria, type cblX (MAHCX). Also called: INTELLECTUAL DEVELOPMENTAL DISORDER, X-LINKED 3. Identifiers: Orphanet 369962, MedGen C0796208, MONDO:0010657, OMIM 309541.

Allele frequency attached by ClinVar (database versions not stated): gnomAD exomes 0.00001.
gnomAD v4.1: 8 of 1,210,623 alleles (0.00066%); highest among the groups gnomAD compares: African/African-American, 0.0035%; no homozygotes.

Submission:

Labcorp Genetics (formerly Invitae), Labcorp
Classification: Uncertain significance for Mental retardation 3, X-linked. Last evaluated: 2019-10-31. Review status: criteria provided, single submitter. Criteria: Invitae Variant Classification Sherloc (09022015). Collection method: clinical testing. Allele origin: germline.
Comment: This sequence change replaces valine with methionine at codon 437 of the HCFC1 protein (p.Val437Met). The valine residue is highly conserved and there is a small physicochemical difference between valine and methionine. This variant is not present in population databases (ExAC no frequency). This variant has not been reported in the literature in individuals with HCFC1-related conditions. Algorithms developed to predict the effect of missense changes on protein structure and function are either unavailable or do not agree on the potential impact of this missense change (SIFT: "Deleterious"; PolyPhen-2: "Probably Damaging"; Align-GVGD: "Class C0"). In summary, the available evidence is currently insufficient to determine the role of this variant in disease. Therefore, it has been classified as a Variant of Uncertain Significance.

NM_005334.3(HCFC1):c.1309G>A (p.Val437Met)

Gene: HCFC1 (host cell factor C1; minus strand). Cytogenetic location: Xq28.
Variant type: single nucleotide variant.
Coding change: c.1309G>A on transcript NM_005334.3 (MANE Select); coding-DNA position 1309, G replaced by A.
Protein change: p.Val437Met; replaces valine 437 with methionine.
Molecular consequence: missense variant.
Genome position (GRCh38, 1-based): chrX:153,959,937, C>T on the plus strand (G>A on the coding strand, the complement: HCFC1 is on the minus strand). VCF-style: chrX-153959937-C-T. GRCh37 (hg19) VCF-style: chrX-153225388-C-T.
Other names: short protein forms V437M.
Identifiers: ClinVar variation 955464 (VCV000955464.1), dbSNP rs2065413556, ClinGen allele CA415142131.